The following is an entry in ClinVar:

NM_213599.3(ANO5):c.1061C>T (p.Pro354Leu)

Gene: ANO5 (anoctamin 5; plus strand). Cytogenetic location: 11p14.3.
Variant type: single nucleotide variant.
Coding change: c.1061C>T on transcript NM_213599.3 (MANE Select); coding-DNA position 1061, C replaced by T.
Protein change: p.Pro354Leu; replaces proline 354 with leucine.
Molecular consequence: missense variant.
Genome position (GRCh38, 1-based): chr11:22,250,788, C>T. VCF-style: chr11-22250788-C-T. GRCh37 (hg19) VCF-style: chr11-22272334-C-T.
Other names: c.1058C>T, p.Pro353Leu (NM_001142649.2); c.1019C>T, p.Pro340Leu (NM_001410963.1); c.1016C>T, p.Pro339Leu (NM_001410964.1); short protein forms P339L, P340L, P353L, P354L.
Identifiers: ClinVar variation 1714485 (VCV001714485.6), dbSNP rs1853788147, ClinGen allele CA379921049.

ClinVar aggregate classification (germline): Uncertain significance (1 of 4 stars; one submission).

Conditions:
Autosomal recessive limb-girdle muscular dystrophy type 2L (LGMDR12). Also called: MUSCULAR DYSTROPHY, LIMB-GIRDLE, AUTOSOMAL RECESSIVE 12; Limb-girdle muscular dystrophy, type 2L; Limb-Girdle Muscular Dystrophy R12 Anoctamin-5-Related (LGMD-R12). Identifiers: Orphanet 206549, MedGen C1969785, MONDO:0012652, OMIM 611307.
Gnathodiaphyseal dysplasia (GDD). Also called: OSTEOGENESIS IMPERFECTA WITH UNUSUAL SKELETAL LESIONS; GNATHODIAPHYSEAL SCLEROSIS. Identifiers: Orphanet 53697, MedGen C1833736, MONDO:0008151, OMIM 166260.

Allele frequency attached by ClinVar (database versions not stated): gnomAD exomes below 0.00001.

Submission:

Labcorp Genetics (formerly Invitae), Labcorp
Classification: Uncertain significance for Autosomal recessive limb-girdle muscular dystrophy type 2L; Gnathodiaphyseal dysplasia. Last evaluated: 2022-07-15. Review status: criteria provided, single submitter. Criteria: Invitae Variant Classification Sherloc (09022015). Collection method: clinical testing. Allele origin: germline.
Comment: In summary, the available evidence is currently insufficient to determine the role of this variant in disease. Therefore, it has been classified as a Variant of Uncertain Significance. Advanced modeling of protein sequence and biophysical properties (such as structural, functional, and spatial information, amino acid conservation, physicochemical variation, residue mobility, and thermodynamic stability) performed at Invitae indicates that this missense variant is expected to disrupt ANO5 protein function. This variant has not been reported in the literature in individuals affected with ANO5-related conditions. This variant is not present in population databases (gnomAD no frequency). This sequence change replaces proline, which is neutral and non-polar, with leucine, which is neutral and non-polar, at codon 354 of the ANO5 protein (p.Pro354Leu).